The following is an entry in ClinVar:

NM_001267550.2(TTN):c.73783G>A (p.Ala24595Thr)

Genes: TTN (titin; minus strand), TTN-AS1 (TTN antisense RNA 1; plus strand). Cytogenetic location: 2q31.2.
Variant type: single nucleotide variant.
Coding change: c.73783G>A on transcript NM_001267550.2 (MANE Select); coding-DNA position 73783, G replaced by A.
Protein change: p.Ala24595Thr; replaces alanine 24595 with threonine.
Molecular consequence: missense variant.
Genome position (GRCh38, 1-based): chr2:178,572,349, C>T on the plus strand (G>A on the coding strand, the complement: TTN is on the minus strand). VCF-style: chr2-178572349-C-T. GRCh37 (hg19) VCF-style: chr2-179437076-C-T.
Other names: c.68860G>A, p.Ala22954Thr (NM_001256850.1); c.46588G>A, p.Ala15530Thr (NM_003319.4); c.66079G>A, p.Ala22027Thr (NM_133378.4); c.46963G>A, p.Ala15655Thr (NM_133432.3); c.47164G>A, p.Ala15722Thr (NM_133437.4); short protein forms A15530T, A24595T, A15655T, A22027T, A15722T, A22954T.
Identifiers: ClinVar variation 518940 (VCV000518940.26), dbSNP rs543275318, ClinGen allele CA1990313.
Genomic context (GRCh38, chr2:178,572,349, plus strand): 5'-CTGATGCTTTCACAGATTCTGCGGTTTCAGCAGGCAGCCCAATGCCATATTCATTTTCTG[C>T]GAGAACCCTGAAATAGTAGCTACAGCCTTCTTGAAGCTGGTCTACCTTCCAGGAAGTCTT-3'
Protein context (NP_001254479.2, residues 24585-24605): EGCSYYFRVL[Ala24595Thr]ENEYGIGLPA

ClinVar aggregate classification (germline): Conflicting classifications of pathogenicity. Review status: criteria provided, conflicting classifications (1 of 4 stars). 7 submissions from 7 submitters: Uncertain significance (2); Benign (1); Likely benign (3). 1 of the submissions does not count toward it. Last evaluated 2026-01-08.

Conditions:
TTN-related disorder. Also called: TTN-related condition; TTN-related disease; TTN-related disorders.
Cardiovascular phenotype. Identifiers: MedGen CN230736.
Dilated cardiomyopathy 1G (CMD1G). Identifiers: Orphanet 154, MedGen C1858763, MONDO:0011400, OMIM 604145.
Autosomal recessive limb-girdle muscular dystrophy type 2J (LGMDR10). Also called: Limb-girdle muscular dystrophy, type 2J; MUSCULAR DYSTROPHY, LIMB-GIRDLE, AUTOSOMAL RECESSIVE 10. Identifiers: Orphanet 140922, MedGen C1837342, MONDO:0012127, OMIM 608807.
Cardiomyopathy (CMYO). Also called: Cardiomyopathies. Identifiers: Orphanet 167848, MedGen C0878544, MONDO:0004994, HP:0001638. Inheritance: Various modes of inheritance.

Allele frequency attached by ClinVar (database versions not stated): gnomAD 0.00010 and 0.00014; TOPMed 0.00011; gnomAD exomes 0.00013 and 0.00026; ExAC 0.00018.
gnomAD v4.1: 200 of 1,611,794 alleles (0.012%); highest among the groups gnomAD compares: South Asian, 0.18%; 4 homozygotes.

Submissions (7):

Labcorp Genetics (formerly Invitae), Labcorp
Classification: Likely benign for Dilated cardiomyopathy 1G; Autosomal recessive limb-girdle muscular dystrophy type 2J. Last evaluated: 2026-01-08. Review status: criteria provided, single submitter. Criteria: Invitae Variant Classification Sherloc (09022015). Collection method: clinical testing. Allele origin: germline.

Blueprint Genetics
Classification: Likely benign. Last evaluated: 2024-10-08. Review status: criteria provided, single submitter. Criteria: ACMG Guidelines, 2015. Collection method: clinical testing. Allele origin: germline.

GeneDx
Classification: Likely benign. Last evaluated: 2020-06-10. Review status: criteria provided, single submitter. Criteria: GeneDx Variant Classification Process June 2021. Collection method: clinical testing. Allele origin: germline. Affected: yes.
Comment: This variant is associated with the following publications: (PMID: 29263846)

Revvity Omics, Revvity
Classification: Uncertain significance. Last evaluated: 2019-10-10. Review status: criteria provided, single submitter. Criteria: ACMG Guidelines, 2015. Collection method: clinical testing. Allele origin: germline.

CHEO Genetics Diagnostic Laboratory, Children's Hospital of Eastern Ontario
Classification: Benign for Cardiomyopathy. Last evaluated: 2018-03-12. Review status: criteria provided, single submitter. Criteria: ACMG Guidelines, 2015. Collection method: clinical testing. Allele origin: germline.

Ambry Genetics
Classification: Uncertain significance for Cardiovascular phenotype. Last evaluated: 2016-08-30. Review status: criteria provided, single submitter. Criteria: Ambry Variant Classification Scheme 2023. Collection method: clinical testing. Allele origin: germline.
Comment: The p.A15530T variant (also known as c.46588G>A), located in coding exon 153 of the TTN gene, results from a G to A substitution at nucleotide position 46588. The alanine at codon 15530 is replaced by threonine, an amino acid with some similar properties, and is located in the A-band region of the N2-B isoform of the titin protein. This variant was previously reported in the SNPDatabase as rs543275318. Based on data from ExAC, the A allele has an overall frequency of approximately 0.019% (20/104998). The highest observed frequency was 0.11% (19/16468) of South Asian alleles. This amino acid position is highly conserved in available vertebrate species. In addition, the in silico prediction for this alteration is inconclusive. Since supporting evidence is limited at this time, the clinical significance of this alteration remains unclear.

PreventionGenetics, part of Exact Sciences
Classification: Likely benign for TTN-related condition. Last evaluated: 2024-04-30. Review status: no assertion criteria provided. Collection method: clinical testing. Allele origin: germline. Not counted in ClinVar's aggregate classification.
Comment: This variant is classified as likely benign based on ACMG/AMP sequence variant interpretation guidelines (Richards et al. 2015 PMID: 25741868, with internal and published modifications).